The following is an entry in ClinVar:

NM_001386298.1(CIC):c.6140C>T (p.Pro2047Leu)

Gene: CIC (capicua transcriptional repressor; plus strand). Cytogenetic location: 19q13.2.
Variant type: single nucleotide variant.
Coding change: c.6140C>T on transcript NM_001386298.1 (MANE Select); coding-DNA position 6140, C replaced by T.
Protein change: p.Pro2047Leu; replaces proline 2047 with leucine.
Molecular consequence: missense variant.
Genome position (GRCh38, 1-based): chr19:42,292,803, C>T. VCF-style: chr19-42292803-C-T. GRCh37 (hg19) VCF-style: chr19-42796955-C-T.
Other names: c.6140C>T, p.Pro2047Leu (NM_001304815.2, NM_001379480.1, NM_001379482.1); c.3413C>T, p.Pro1138Leu (NM_001379484.1, NM_001379485.1, NM_015125.5); short protein forms P2047L, P1138L.
Identifiers: ClinVar variation 3833405 (VCV003833405.9).
Genomic context (GRCh38, chr19:42,292,803, plus strand): 5'-TGGTCTACACTGTGGCCACCAGCACAACCCCACCTGCAGCCACCATTCTGCCCAAGGGCC[C>T]GCCAGCCCCTGCCACTGCCACCCCAGCCCCGACTAGCCCTTTCCCCAGCGCCACAGGTAG-3'
Protein context (NP_001373227.1, residues 2037-2057): PPAATILPKG[Pro2047Leu]PAPATATPAP

ClinVar aggregate classification (germline): Likely benign. Review status: criteria provided, multiple submitters, no conflicts (2 of 4 stars). 2 submissions from 2 submitters: Likely benign (2). Last evaluated 2025-06-01.

Conditions:
Inborn genetic diseases. Identifiers: MedGen C0950123, MeSH D030342.

gnomAD v4.1: 148 of 1,613,684 alleles (0.0092%); highest among the groups gnomAD compares: Admixed American, 0.02%; no homozygotes.

Submissions (2):

CeGaT Center for Human Genetics Tuebingen
Classification: Likely benign. Last evaluated: 2025-06-01. Review status: criteria provided, single submitter. Criteria: CeGaT Center For Human Genetics Tuebingen Variant Classification Criteria Version 2. Collection method: clinical testing. Allele origin: germline. Affected: yes. Observed: 1 variant allele.
Comment: CIC: BP4

Ambry Genetics
Classification: Likely benign for Inborn genetic diseases. Last evaluated: 2025-02-13. Review status: criteria provided, single submitter. Criteria: Ambry Variant Classification Scheme 2023. Collection method: clinical testing. Allele origin: germline.